The following is an entry in ClinVar:

NC_000018.9:g.(?_76773973)_(77748392_?)del

Genes: ATP9B (ATPase phospholipid transporting 9B (putative); plus strand), CTDP1 (CTD phosphatase subunit 1; plus strand), HSBP1L1 (heat shock factor binding protein 1 like 1; plus strand), KCNG2 (potassium voltage-gated channel modifier subfamily G member 2; plus strand), NFATC1 (nuclear factor of activated T cells 1; plus strand) and 2 more. Cytogenetic location: 18q23.
Variant type: Deletion.
Identifiers: ClinVar variation 2425203 (VCV002425203.3).

ClinVar aggregate classification (germline): Uncertain significance (1 of 4 stars; one submission).

Submission:

Labcorp Genetics (formerly Invitae), Labcorp
Classification: Uncertain significance. Last evaluated: 2022-08-15. Review status: criteria provided, single submitter. Criteria: Invitae Variant Classification Sherloc (09022015). Collection method: clinical testing. Allele origin: germline.
Comment: A gross deletion of the genomic region encompassing the full coding sequence of the CTDP1 gene has been identified. The current clinical and genetic evidence is not sufficient to establish whether loss-of-function variants in CTDP1 cause disease. The boundaries of this event are unknown as they extend beyond the assayed region for this gene and therefore may encompass additional genes. This variant has not been reported in the literature in individuals affected with CTDP1-related conditions. In summary, the available evidence is currently insufficient to determine the role of this variant in disease. Therefore, it has been classified as a Variant of Uncertain Significance.